The following is an entry in ClinVar:

NM_138387.4(G6PC3):c.1006A>G (p.Ser336Gly)

Gene: G6PC3 (glucose-6-phosphatase catalytic subunit 3; plus strand). Cytogenetic location: 17q21.31.
Variant type: single nucleotide variant.
Coding change: c.1006A>G on transcript NM_138387.4 (MANE Select); coding-DNA position 1006, A replaced by G.
Protein change: p.Ser336Gly; replaces serine 336 with glycine.
Molecular consequence: missense variant. On other transcripts: 3 prime UTR variant (1).
Genome position (GRCh38, 1-based): chr17:44,076,008, A>G. VCF-style: chr17-44076008-A-G. GRCh37 (hg19) VCF-style: chr17-42153376-A-G.
Other names: c.*299A>G (NM_001319945.2); c.661A>G, p.Ser221Gly (NM_001384165.1, NM_001384166.1, NM_001384167.1 and 1 more transcripts); short protein forms S221G, S336G.
Identifiers: ClinVar variation 4620485 (VCV004620485.1).

ClinVar aggregate classification (germline): Uncertain significance (1 of 4 stars; one submission).

Conditions:
Inborn genetic diseases. Identifiers: MedGen C0950123, MeSH D030342.

Submission:

Ambry Genetics
Classification: Uncertain significance for Inborn genetic diseases. Last evaluated: 2025-09-27. Review status: criteria provided, single submitter. Criteria: Ambry Variant Classification Scheme 2023. Collection method: clinical testing. Allele origin: germline.
Comment: The p.S336G variant (also known as c.1006A>G), located in coding exon 6 of the G6PC3 gene, results from an A to G substitution at nucleotide position 1006. The serine at codon 336 is replaced by glycine, an amino acid with similar properties. This amino acid position is conserved. In addition, this alteration is predicted to be tolerated by in silico analysis. Based on the available evidence, the clinical significance of this variant remains unclear.